The following is an entry in ClinVar:

NM_130839.5(UBE3A):c.1241_1247del (p.Arg414fs)

Genes: SNHG14 (small nucleolar RNA host gene 14; plus strand), UBE3A (ubiquitin protein ligase E3A; minus strand). Cytogenetic location: 15q11.2.
Variant type: Microsatellite.
Coding change: c.1241_1247del on transcript NM_130839.5 (MANE Select); coding-DNA positions 1241 to 1247, 7 bases deleted (GAAGAAA; older notation c.1241_1247delGAAGAAA).
Protein change: p.Arg414fs; shifts the reading frame from arginine 414.
Molecular consequence: frameshift variant. On other transcripts: non-coding transcript variant (1), intron variant (2).
Genome position (GRCh38, 1-based): chr15:25,370,927-25,370,933, TTTCTTC deleted on the plus strand (GAAGAAA on the coding strand, the reverse complement: UBE3A is on the minus strand); deleting any 7 consecutive bases within chr15:25,370,927-25,370,941 gives the same sequence; the c. name uses the placement nearest the transcript's 3' end. VCF-style (leftmost placement, unchanged base first): chr15-25370926-GTTTCTTC-G. GRCh37 (hg19) VCF-style: chr15-25616073-GTTTCTTC-G.
Other names: c.1250_1256del, p.Arg417fs (NM_000462.5); c.1241_1247del, p.Arg414fs (NM_001354505.1, NM_001354538.2, NM_001354545.2); c.1181_1187del, p.Arg394fs (NM_001354506.2, NM_001354507.2, NM_001354508.2 and 17 more transcripts); c.301+4532_301+4538del (NM_001354551.2); c.361+4532_361+4538del (NM_001354550.2); c.1064_1070del, p.Arg355fs (NM_001354546.2); short protein forms R417fs, R355fs, R394fs, R414fs.
Identifiers: ClinVar variation 279958 (VCV000279958.2), dbSNP rs886041283, ClinGen allele CA10603224.

ClinVar aggregate classification (germline): Pathogenic (1 of 4 stars; one submission).

Submission:

GeneDx
Classification: Pathogenic. Last evaluated: 2015-06-16. Review status: criteria provided, single submitter. Criteria: GeneDx Variant Classification (06012015). Collection method: clinical testing. Allele origin: germline. Affected: yes.
Comment: The c.1181_1187delGAAGAAA pathogenic variant in the UBE3A gene causes a frameshift starting with codon Arginine 394, changes this amino acid to a Threonine residue and creates a premature Stop codon at position 36 of the new reading frame, denoted p.Arg394ThrfsX36. This variant is predicted to cause loss of normal protein function either through protein truncation or nonsense-mediated mRNA decay. Although this variant has not been previously reported to our knowledge, we consider it to be pathogenic.